The following is an entry in ClinVar:

NM_145020.5(CFAP53):c.1024T>C (p.Tyr342His)

Gene: CFAP53 (cilia and flagella associated protein 53; minus strand). Cytogenetic location: 18q21.1.
Variant type: single nucleotide variant.
Coding change: c.1024T>C on transcript NM_145020.5 (MANE Select); coding-DNA position 1024, T replaced by C.
Protein change: p.Tyr342His; replaces tyrosine 342 with histidine.
Molecular consequence: missense variant.
Genome position (GRCh38, 1-based): chr18:50,243,089, A>G on the plus strand (T>C on the coding strand, the complement: CFAP53 is on the minus strand). VCF-style: chr18-50243089-A-G. GRCh37 (hg19) VCF-style: chr18-47769459-A-G.
Other names: short protein forms Y342H.
Identifiers: ClinVar variation 2046403 (VCV002046403.4), dbSNP rs376614530, ClinGen allele CA8962218.

ClinVar aggregate classification (germline): Uncertain significance (1 of 4 stars; one submission).

Conditions:
Heterotaxy, visceral, 6, autosomal (HTX6). Also called: Heterotaxy, visceral, 6, autosomal recessive. Identifiers: Orphanet 450, MedGen C3553676, MONDO:0013887, OMIM 614779.

Allele frequency attached by ClinVar (database versions not stated): ExAC 0.00002; ESP Exome Variant Server 0.00008.
gnomAD v4.1: 26 of 1,612,712 alleles (0.0016%); highest among the groups gnomAD compares: African/African-American, 0.0027%; no homozygotes.

Submission:

Labcorp Genetics (formerly Invitae), Labcorp
Classification: Uncertain significance for Heterotaxy, visceral, 6, autosomal. Last evaluated: 2022-05-13. Review status: criteria provided, single submitter. Criteria: Invitae Variant Classification Sherloc (09022015). Collection method: clinical testing. Allele origin: germline.
Comment: This sequence change replaces tyrosine, which is neutral and polar, with histidine, which is basic and polar, at codon 342 of the CFAP53 protein (p.Tyr342His). This variant is present in population databases (rs376614530, gnomAD 0.004%). This variant has not been reported in the literature in individuals affected with CFAP53-related conditions. Algorithms developed to predict the effect of missense changes on protein structure and function are either unavailable or do not agree on the potential impact of this missense change (SIFT: "Not Available"; PolyPhen-2: "Probably Damaging"; Align-GVGD: "Not Available"). In summary, the available evidence is currently insufficient to determine the role of this variant in disease. Therefore, it has been classified as a Variant of Uncertain Significance.